The following is an entry in ClinVar:

NM_000538.4(RFXAP):c.44C>T (p.Ala15Val)

Genes: RFXAP (regulatory factor X associated protein; plus strand), LOC130009573 (ATAC-STARR-seq lymphoblastoid silent region 5267; plus strand). Cytogenetic location: 13q13.3.
Variant type: single nucleotide variant.
Coding change: c.44C>T on transcript NM_000538.4 (MANE Select); coding-DNA position 44, C replaced by T.
Protein change: p.Ala15Val; replaces alanine 15 with valine.
Molecular consequence: missense variant.
Genome position (GRCh38, 1-based): chr13:36,819,401, C>T. VCF-style: chr13-36819401-C-T. GRCh37 (hg19) VCF-style: chr13-37393538-C-T.
Other names: short protein forms A15V.
Identifiers: ClinVar variation 882432 (VCV000882432.13), dbSNP rs1344939848, ClinGen allele CA387852106.
Genomic context (GRCh38, chr13:36,819,401, plus strand): 5'-GGCCAGGTCTTAGCAGCATGGAGGCGCAGGGTGTAGCGGAGGGCGCGGGGCCGGGCGCCG[C>T]CAGCGGCGTGCCCCACCCCGCGGCCCTAGCCCCGGCTGCGGCTCCCACCTTGGCGCCAGC-3'
Protein context (NP_000529.1, residues 5-25): GVAEGAGPGA[Ala15Val]SGVPHPAALA

ClinVar aggregate classification (germline): Uncertain significance. Review status: criteria provided, multiple submitters, no conflicts (2 of 4 stars). 3 submissions from 3 submitters: Uncertain significance (3). Last evaluated 2024-06-16.

Conditions:
MHC class II deficiency. Also called: Bare lymphocyte syndrome 2; BLS, TYPE II. Identifiers: Orphanet 572, MedGen C5447452, MONDO:0008855.

Allele frequency attached by ClinVar (database versions not stated): gnomAD 0.00001 and 0.00002; TOPMed 0.00001; 1000 Genomes Project 30x 0.00016.
gnomAD v4.1: 4 of 1,306,746 alleles (0.00031%); highest among the groups gnomAD compares: East Asian, 0.0062%; no homozygotes.

Submissions (3):

Ambry Genetics
Classification: Uncertain significance. Last evaluated: 2024-06-16. Review status: criteria provided, single submitter. Criteria: Ambry Variant Classification Scheme 2023. Collection method: clinical testing. Allele origin: germline.

Labcorp Genetics (formerly Invitae), Labcorp
Classification: Uncertain significance for MHC class II deficiency. Last evaluated: 2022-10-26. Review status: criteria provided, single submitter. Criteria: Invitae Variant Classification Sherloc (09022015). Collection method: clinical testing. Allele origin: germline.
Comment: This sequence change replaces alanine, which is neutral and non-polar, with valine, which is neutral and non-polar, at codon 15 of the RFXAP protein (p.Ala15Val). This variant is not present in population databases (gnomAD no frequency). This variant has not been reported in the literature in individuals affected with RFXAP-related conditions. ClinVar contains an entry for this variant (Variation ID: 882432). Algorithms developed to predict the effect of missense changes on protein structure and function are either unavailable or do not agree on the potential impact of this missense change (SIFT: "Tolerated"; PolyPhen-2: "Possibly Damaging"; Align-GVGD: "Class C0"). In summary, the available evidence is currently insufficient to determine the role of this variant in disease. Therefore, it has been classified as a Variant of Uncertain Significance.

Illumina Laboratory Services, Illumina
Classification: Uncertain significance for MHC class II deficiency 1. Last evaluated: 2018-01-13. Review status: criteria provided, single submitter. Criteria: ICSL Variant Classification Criteria 13 December 2019. Collection method: clinical testing. Allele origin: germline.